The following is an entry in ClinVar:

ClinVar aggregate classification (germline): Uncertain significance (1 of 4 stars; one submission).

Conditions:
Werner syndrome (WRN). Identifiers: Orphanet 902, MedGen C0043119, MONDO:0010196, OMIM 277700.

Allele frequency attached by ClinVar (database versions not stated): gnomAD exomes below 0.00001.
gnomAD v4.1: 1 of 1,603,228 alleles (0.000062%); highest among the groups gnomAD compares: Non-Finnish European, 0.000085%; no homozygotes.

Submission:

Labcorp Genetics (formerly Invitae), Labcorp
Classification: Uncertain significance for Werner syndrome. Last evaluated: 2022-11-01. Review status: criteria provided, single submitter. Criteria: Invitae Variant Classification Sherloc (09022015). Collection method: clinical testing. Allele origin: germline.
Comment: Variants that disrupt the consensus splice site are a relatively common cause of aberrant splicing (PMID: 17576681, 9536098). Algorithms developed to predict the effect of sequence changes on RNA splicing suggest that this variant is not likely to affect RNA splicing. This sequence change falls in intron 15 of the WRN gene. It does not directly change the encoded amino acid sequence of the WRN protein. It affects a nucleotide within the consensus splice site. This variant is not present in population databases (gnomAD no frequency). This variant has not been reported in the literature in individuals affected with WRN-related conditions. ClinVar contains an entry for this variant (Variation ID: 1023752). In summary, the available evidence is currently insufficient to determine the role of this variant in disease. Therefore, it has been classified as a Variant of Uncertain Significance.

Literature cited by the submitters: PubMed 17576681; PubMed 9536098.

NM_000553.6(WRN):c.1829+3A>G

Gene: WRN (WRN RecQ like helicase; plus strand). Cytogenetic location: 8p12.
Variant type: single nucleotide variant.
Coding change: c.1829+3A>G on transcript NM_000553.6 (MANE Select); 3 bases into the intron after coding-DNA position 1829, A replaced by G.
Molecular consequence: intron variant.
Genome position (GRCh38, 1-based): chr8:31,090,945, A>G. VCF-style: chr8-31090945-A-G. GRCh37 (hg19) VCF-style: chr8-30948461-A-G.
Identifiers: ClinVar variation 1023752 (VCV001023752.5), dbSNP rs1813725952, ClinGen allele CA2499219242.